The following is an entry in ClinVar:

ClinVar aggregate classification (germline): Conflicting classifications of pathogenicity. Review status: criteria provided, conflicting classifications (1 of 4 stars). 5 submissions from 5 submitters: Uncertain significance (1); Benign (1); Likely benign (3). Last evaluated 2025-12-31.

Conditions:
Dilated cardiomyopathy 1G (CMD1G). Identifiers: Orphanet 154, MedGen C1858763, MONDO:0011400, OMIM 604145.
Autosomal recessive limb-girdle muscular dystrophy type 2J (LGMDR10). Also called: Limb-girdle muscular dystrophy, type 2J; MUSCULAR DYSTROPHY, LIMB-GIRDLE, AUTOSOMAL RECESSIVE 10. Identifiers: Orphanet 140922, MedGen C1837342, MONDO:0012127, OMIM 608807.
Cardiomyopathy (CMYO). Also called: Cardiomyopathies. Identifiers: Orphanet 167848, MedGen C0878544, MONDO:0004994, HP:0001638. Inheritance: Various modes of inheritance.

Submissions (5):

Labcorp Genetics (formerly Invitae), Labcorp
Classification: Likely benign for Dilated cardiomyopathy 1G; Autosomal recessive limb-girdle muscular dystrophy type 2J. Last evaluated: 2025-12-31. Review status: criteria provided, single submitter. Criteria: Invitae Variant Classification Sherloc (09022015). Collection method: clinical testing. Allele origin: germline.

Molecular Diagnostic Laboratory for Inherited Cardiovascular Disease, Montreal Heart Institute
Classification: Benign. Last evaluated: 2025-04-09. Review status: criteria provided, single submitter. Criteria: ACMG Guidelines, 2015. Collection method: clinical testing. Allele origin: germline. Affected: no.

Blueprint Genetics
Classification: Likely benign. Last evaluated: 2024-08-27. Review status: criteria provided, single submitter. Criteria: ACMG Guidelines, 2015. Collection method: clinical testing. Allele origin: germline.

CHEO Genetics Diagnostic Laboratory, Children's Hospital of Eastern Ontario
Classification: Uncertain significance for Cardiomyopathy. Last evaluated: 2021-12-03. Review status: criteria provided, single submitter. Criteria: ACMG Guidelines, 2015. Collection method: clinical testing. Allele origin: germline.

GeneDx
Classification: Likely benign. Last evaluated: 2017-02-28. Review status: criteria provided, single submitter. Criteria: GeneDx Variant Classification (06012015). Collection method: clinical testing. Allele origin: germline. Affected: yes.
Comment: This variant is considered likely benign or benign based on one or more of the following criteria: it is a conservative change, it occurs at a poorly conserved position in the protein, it is predicted to be benign by multiple in silico algorithms, and/or has population frequency not consistent with disease.

NM_001267550.2(TTN):c.26762-39TTTGT[4]

Gene: TTN (titin; minus strand). Cytogenetic location: 2q31.2.
Variant type: Microsatellite.
Coding change: c.26762-39TTTGT[4] on transcript NM_001267550.2 (MANE Select); four copies in a row of the 5-base unit TTTGT starting at c.26762-39; the reference has six copies in a row; two copies, 10 bases deleted.
Molecular consequence: intron variant.
Genome position (GRCh38, 1-based): chr2:178,713,382-178,713,391, ACAAAACAAA deleted on the plus strand (TTTGTTTTGT on the coding strand, the reverse complement: TTN is on the minus strand); deleting any 10 consecutive bases within chr2:178,713,382-178,713,412 gives the same sequence; the position shown is the placement nearest the transcript's 3' end. VCF-style (leftmost placement, unchanged base first): chr2-178713381-TACAAAACAAA-T. GRCh37 (hg19) VCF-style: chr2-179578108-TACAAAACAAA-T.
Other names: c.26762-19_26762-10delTTTGTTTTGT (NM_001267550.2); c.26762-19_26762-10del (NM_001267550.2); c.13282+24671TTTGT[4] (NM_003319.4); c.13858+24671TTTGT[4] (NM_133437.4); c.13657+24671TTTGT[4] (NM_133432.3); c.23030-39TTTGT[4] (NM_133378.4); c.25811-39TTTGT[4] (NM_001256850.1); c.25811-19_25811-10delTTTGTTTTGT (NM_001256850.1); and 1 more.
Identifiers: ClinVar variation 413103 (VCV000413103.21), dbSNP rs71393436, ClinGen allele CA16610459.